The following is an entry in ClinVar:

NM_006702.5(PNPLA6):c.2T>C (p.Met1Thr)

Genes: PNPLA6 (patatin like domain 6, lysophospholipase; plus strand), LOC130063377 (ATAC-STARR-seq lymphoblastoid active region 13887; plus strand). Cytogenetic location: 19p13.2.
Variant type: single nucleotide variant.
Coding change: c.2T>C on transcript NM_006702.5; coding-DNA position 2, T replaced by C.
Protein change: p.Met1Thr; changes the start codon (methionine 1).
Molecular consequence: missense variant, initiator codon variant.
Genome position (GRCh38, 1-based): chr19:7,535,552, T>C. VCF-style: chr19-7535552-T-C. GRCh37 (hg19) VCF-style: chr19-7600438-T-C.
Other names: p.Met1?; c.2T>C, p.Met1Thr (NM_001166111.2, NM_001166112.2, NM_001166113.1); short protein forms M1T.
Identifiers: ClinVar variation 240695 (VCV000240695.13), dbSNP rs765249233, ClinGen allele CA9139288.

ClinVar aggregate classification (germline): Uncertain significance. Review status: criteria provided, multiple submitters, no conflicts (2 of 4 stars). 3 submissions from 3 submitters: Uncertain significance (3). Last evaluated 2024-06-26.

Conditions:
Hereditary spastic paraplegia 39 (SPG39). Also called: SPASTIC PARAPLEGIA 39, AUTOSOMAL RECESSIVE; Spastic Paraplegia Type 39 (SPG39). Identifiers: Orphanet 139480, MedGen C2677586, MONDO:0012787, OMIM 612020.

Allele frequency attached by ClinVar (database versions not stated): gnomAD 0.00002; TOPMed 0.00005; gnomAD exomes 0.00010 and 0.00003; ExAC 0.00005.
gnomAD v4.1: 45 of 1,603,924 alleles (0.0028%); highest among the groups gnomAD compares: Admixed American, 0.034%; no homozygotes.

Submissions (3):

Labcorp Genetics (formerly Invitae), Labcorp
Classification: Uncertain significance for Hereditary spastic paraplegia 39. Last evaluated: 2024-06-26. Review status: criteria provided, single submitter. Criteria: Invitae Variant Classification Sherloc (09022015). Collection method: clinical testing. Allele origin: germline.
Comment: This sequence change affects the initiator methionine of the PNPLA6 mRNA. The next in-frame methionine is located at codon 9. This variant is present in population databases (rs765249233, gnomAD 0.05%). This variant has not been reported in the literature in individuals affected with PNPLA6-related conditions. ClinVar contains an entry for this variant (Variation ID: 240695). Experimental studies and prediction algorithms are not available or were not evaluated, and the functional significance of this variant is currently unknown. In summary, the available evidence is currently insufficient to determine the role of this variant in disease. Therefore, it has been classified as a Variant of Uncertain Significance.

Mayo Clinic Laboratories, Mayo Clinic
Classification: Uncertain significance. Last evaluated: 2024-06-20. Review status: criteria provided, single submitter. Criteria: ACMG Guidelines, 2015. Collection method: clinical testing. Allele origin: germline. Observed: 1 variant allele.
Comment: BP4, PM2

GeneDx
Classification: Uncertain significance. Last evaluated: 2018-05-01. Review status: criteria provided, single submitter. Criteria: GeneDx Variant Classification Process June 2021. Collection method: clinical testing. Allele origin: germline. Affected: yes.
Comment: Initiation codon variant in a gene for which loss-of-function is a known mechanism of disease; however, a nearby downstream Methionine could be used as an alternative initiation codon; Has not been previously published as pathogenic or benign to our knowledge

Literature cited by the submitters: PubMed 31964843 (cited by Mayo Clinic Laboratories, Mayo Clinic).